The following is an entry in ClinVar:

NM_001136035.4(TRMT1):c.1943dup (p.Gly649fs)

Gene: TRMT1 (tRNA methyltransferase 1; minus strand). Cytogenetic location: 19p13.13.
Variant type: Duplication.
Coding change: c.1943dup on transcript NM_001136035.4 (MANE Select); coding-DNA position 1943, one base duplicated (C; older notation c.1943dupC).
Protein change: p.Gly649fs; shifts the reading frame from glycine 649.
Molecular consequence: frameshift variant.
Genome position (GRCh38, 1-based): chr19:13,104,972, G duplicated on the plus strand (C on the coding strand, the reverse complement: TRMT1 is on the minus strand); the first of 7 consecutive G bases (chr19:13,104,972-13,104,978); duplicating any one gives the same sequence. VCF-style (leftmost placement, unchanged base first): chr19-13104971-A-AG. GRCh37 (hg19) VCF-style: chr19-13215785-A-AG.
Other names: c.1856dup, p.Gly620fs (NM_001142554.3, NM_001351760.2); c.1835dup, p.Gly613fs (NM_001351761.2); c.1160dup, p.Gly388fs (NM_001351762.2); c.1943dup, p.Gly649fs (NM_017722.5); short protein forms G388fs, G620fs, G649fs, G613fs.
Identifiers: ClinVar variation 859755 (VCV000859755.4), dbSNP rs761486084, ClinGen allele CA9237414.

ClinVar aggregate classification (germline): Pathogenic (1 of 4 stars; one submission).

Submission:

Labcorp Genetics (formerly Invitae), Labcorp
Classification: Pathogenic. Last evaluated: 2022-07-26. Review status: criteria provided, single submitter. Criteria: Invitae Variant Classification Sherloc (09022015). Collection method: clinical testing. Allele origin: germline.
Comment: This sequence change creates a premature translational stop signal (p.Gly649Trpfs*15) in the TRMT1 gene. It is expected to result in an absent or disrupted protein product. Loss-of-function variants in TRMT1 are known to be pathogenic (PMID: 21937992, 26308914, 26350204). This variant is present in population databases (rs761486084, gnomAD 0.03%). This variant has not been reported in the literature in individuals affected with TRMT1-related conditions. ClinVar contains an entry for this variant (Variation ID: 859755). For these reasons, this variant has been classified as Pathogenic.

Literature cited by the submitters: PubMed 21937992; PubMed 26308914; PubMed 26350204.